The following is an entry in ClinVar:

NM_018010.4(IFT57):c.783G>A (p.Trp261Ter)

Gene: IFT57 (intraflagellar transport 57; minus strand). Cytogenetic location: 3q13.12.
Variant type: single nucleotide variant.
Coding change: c.783G>A on transcript NM_018010.4 (MANE Select); coding-DNA position 783, G replaced by A.
Protein change: p.Trp261Ter; replaces tryptophan 261 with a stop codon.
Molecular consequence: nonsense.
Genome position (GRCh38, 1-based): chr3:108,167,859, C>T on the plus strand (G>A on the coding strand, the complement: IFT57 is on the minus strand). VCF-style: chr3-108167859-C-T. GRCh37 (hg19) VCF-style: chr3-107886706-C-T.
Other names: short protein forms W261*.
Identifiers: ClinVar variation 1346416 (VCV001346416.6), dbSNP rs779927598, ClinGen allele CA2526566.

ClinVar aggregate classification (germline): Uncertain significance (1 of 4 stars; one submission).

Allele frequency attached by ClinVar (database versions not stated): gnomAD 0.00001; gnomAD exomes 0.00001; ExAC 0.00002; TOPMed 0.00002.
gnomAD v4.1: 17 of 1,590,812 alleles (0.0011%); highest among the groups gnomAD compares: Non-Finnish European, 0.0015%; no homozygotes.

Submission:

Labcorp Genetics (formerly Invitae), Labcorp
Classification: Uncertain significance. Last evaluated: 2025-06-14. Review status: criteria provided, single submitter. Criteria: Invitae Variant Classification Sherloc (09022015). Collection method: clinical testing. Allele origin: germline.
Comment: This sequence change creates a premature translational stop signal (p.Trp261*) in the IFT57 gene. It is expected to result in an absent or disrupted protein product. However, the current clinical and genetic evidence is not sufficient to establish whether loss-of-function variants in IFT57 cause disease. This variant is present in population databases (rs779927598, gnomAD 0.003%). This variant has not been reported in the literature in individuals affected with IFT57-related conditions. ClinVar contains an entry for this variant (Variation ID: 1346416). In summary, the available evidence is currently insufficient to determine the role of this variant in disease. Therefore, it has been classified as a Variant of Uncertain Significance.